The following is an entry in ClinVar:

ClinVar aggregate classification (germline): Uncertain significance. Review status: criteria provided, multiple submitters, no conflicts (2 of 4 stars). 3 submissions from 3 submitters: Uncertain significance (3). Last evaluated 2026-01-19.

Conditions:
Leukodystrophy, hypomyelinating, 9. Identifiers: Orphanet 438114, MedGen C4015323, MONDO:0014506, OMIM 616140.
Inborn genetic diseases. Identifiers: MedGen C0950123, MeSH D030342.

Allele frequency attached by ClinVar (database versions not stated): gnomAD exomes below 0.00001; ExAC 0.00002; gnomAD 0.00002; 1000 Genomes Project 30x 0.00016; 1000 Genomes Project 0.00020.
gnomAD v4.1: 6 of 1,614,130 alleles (0.00037%); highest among the groups gnomAD compares: East Asian, 0.013%; no homozygotes.

Submissions (3):

Labcorp Genetics (formerly Invitae), Labcorp
Classification: Uncertain significance. Last evaluated: 2026-01-19. Review status: criteria provided, single submitter. Criteria: Invitae Variant Classification Sherloc (09022015). Collection method: clinical testing. Allele origin: germline.
Comment: This sequence change replaces leucine, which is neutral and non-polar, with isoleucine, which is neutral and non-polar, at codon 508 of the RARS protein (p.Leu508Ile). This variant is present in population databases (rs199566565, gnomAD 0.03%). This variant has not been reported in the literature in individuals affected with RARS-related conditions. ClinVar contains an entry for this variant (Variation ID: 1906269). Invitae Evidence Modeling of protein sequence and biophysical properties (such as structural, functional, and spatial information, amino acid conservation, physicochemical variation, residue mobility, and thermodynamic stability) indicates that this missense variant is not expected to disrupt RARS protein function with a negative predictive value of 80%. In summary, the available evidence is currently insufficient to determine the role of this variant in disease. Therefore, it has been classified as a Variant of Uncertain Significance.

Revvity Omics, Revvity
Classification: Uncertain significance for Leukodystrophy, hypomyelinating, 9. Last evaluated: 2023-12-29. Review status: criteria provided, single submitter. Criteria: ACMG Guidelines, 2015. Collection method: clinical testing. Allele origin: germline.

Ambry Genetics
Classification: Uncertain significance for Inborn genetic diseases. Last evaluated: 2023-10-05. Review status: criteria provided, single submitter. Criteria: Ambry Variant Classification Scheme 2023. Collection method: clinical testing. Allele origin: germline.

NM_002887.4(RARS1):c.1522C>A (p.Leu508Ile)

Gene: RARS1 (arginyl-tRNA synthetase 1; plus strand). Cytogenetic location: 5q34.
Variant type: single nucleotide variant.
Coding change: c.1522C>A on transcript NM_002887.4 (MANE Select); coding-DNA position 1522, C replaced by A.
Protein change: p.Leu508Ile; replaces leucine 508 with isoleucine.
Molecular consequence: missense variant.
Genome position (GRCh38, 1-based): chr5:168,516,847, C>A. VCF-style: chr5-168516847-C-A. GRCh37 (hg19) VCF-style: chr5-167943852-C-A.
Other names: c.1522C>A (NM_002887.3); short protein forms L508I.
Identifiers: ClinVar variation 1906269 (VCV001906269.9), dbSNP rs199566565, ClinGen allele CA3549951.
Genomic context (GRCh38, chr5:168,516,847, plus strand): 5'-GCAGAGGAATTGAATGCTGCTCAGACATCCGTTGCGTATGGCTGCATCAAATATGCTGAC[C>A]TTTCCCATAACCGGTTGAATGACTACATCTTCTCCTTTGACAAAATGCTAGATGACAGAG-3'
Protein context (NP_002878.2, residues 498-518): VAYGCIKYAD[Leu508Ile]SHNRLNDYIF